The following is an entry in ClinVar:

ClinVar aggregate classification (germline): Uncertain significance. Review status: criteria provided, multiple submitters, no conflicts (2 of 4 stars). 2 submissions from 2 submitters: Uncertain significance (2). Last evaluated 2024-05-16.

Conditions:
Inborn genetic diseases. Identifiers: MedGen C0950123, MeSH D030342.

Allele frequency attached by ClinVar (database versions not stated): gnomAD exomes below 0.00001; ExAC 0.00001; gnomAD 0.00002; TOPMed 0.00003; ESP Exome Variant Server 0.00008.
gnomAD v4.1: 5 of 1,613,966 alleles (0.00031%); highest among the groups gnomAD compares: African/African-American, 0.0053%; no homozygotes.

Submissions (2):

Ambry Genetics
Classification: Uncertain significance for Inborn genetic diseases. Last evaluated: 2024-05-16. Review status: criteria provided, single submitter. Criteria: Ambry Variant Classification Scheme 2023. Collection method: clinical testing. Allele origin: germline.

GeneDx
Classification: Uncertain significance. Last evaluated: 2023-05-16. Review status: criteria provided, single submitter. Criteria: GeneDx Variant Classification Process June 2021. Collection method: clinical testing. Allele origin: germline. Affected: yes.
Comment: In silico analysis supports that this missense variant does not alter protein structure/function; Has not been previously published as pathogenic or benign to our knowledge

NM_032888.4(COL27A1):c.1579G>A (p.Gly527Ser)

Gene: COL27A1 (collagen type XXVII alpha 1 chain; plus strand). Cytogenetic location: 9q32.
Variant type: single nucleotide variant.
Coding change: c.1579G>A on transcript NM_032888.4 (MANE Select); coding-DNA position 1579, G replaced by A.
Protein change: p.Gly527Ser; replaces glycine 527 with serine.
Molecular consequence: missense variant.
Genome position (GRCh38, 1-based): chr9:114,169,134, G>A. VCF-style: chr9-114169134-G-A. GRCh37 (hg19) VCF-style: chr9-116931414-G-A.
Other names: short protein forms G527S.
Identifiers: ClinVar variation 2662346 (VCV002662346.2), dbSNP rs368193655, ClinGen allele CA5201421.